The following is an entry in ClinVar:

ClinVar aggregate classification (germline): Uncertain significance (1 of 4 stars; one submission).

Conditions:
Charcot-Marie-Tooth disease type 4. Also called: Charcot-Marie-Tooth disease, type IV; Charcot-Marie-Tooth, Type 4. Identifiers: Orphanet 64749, MedGen C4082197, MONDO:0018995.

Submission:

Labcorp Genetics (formerly Invitae), Labcorp
Classification: Uncertain significance for Charcot-Marie-Tooth disease type 4. Last evaluated: 2023-10-03. Review status: criteria provided, single submitter. Criteria: Invitae Variant Classification Sherloc (09022015). Collection method: clinical testing. Allele origin: germline.
Comment: This sequence change replaces lysine, which is basic and polar, with arginine, which is basic and polar, at codon 1841 of the SBF2 protein (p.Lys1841Arg). This variant is not present in population databases (gnomAD no frequency). This variant has not been reported in the literature in individuals affected with SBF2-related conditions. Advanced modeling of protein sequence and biophysical properties (such as structural, functional, and spatial information, amino acid conservation, physicochemical variation, residue mobility, and thermodynamic stability) performed at Invitae indicates that this missense variant is not expected to disrupt SBF2 protein function. In summary, the available evidence is currently insufficient to determine the role of this variant in disease. Therefore, it has been classified as a Variant of Uncertain Significance.

NM_030962.4(SBF2):c.5522A>G (p.Lys1841Arg)

Genes: SBF2 (SET binding factor 2; minus strand), SBF2-AS1 (SBF2 antisense RNA 1; plus strand). Cytogenetic location: 11p15.4.
Variant type: single nucleotide variant.
Coding change: c.5522A>G on transcript NM_030962.4 (MANE Select); coding-DNA position 5522, A replaced by G.
Protein change: p.Lys1841Arg; replaces lysine 1841 with arginine.
Molecular consequence: missense variant.
Genome position (GRCh38, 1-based): chr11:9,780,446, T>C on the plus strand (A>G on the coding strand, the complement: SBF2 is on the minus strand). VCF-style: chr11-9780446-T-C. GRCh37 (hg19) VCF-style: chr11-9801993-T-C.
Other names: c.5618A>G, p.Lys1873Arg (NM_001386339.1); c.5393A>G, p.Lys1798Arg (NM_001386342.1); c.5558A>G, p.Lys1853Arg (NM_001424318.1, NM_001425070.1); c.5417A>G, p.Lys1806Arg (NM_001425069.1); short protein forms K1806R, K1841R, K1873R, K1798R, K1853R.
Identifiers: ClinVar variation 2850756 (VCV002850756.3), dbSNP rs2494466500, ClinGen allele CA379629368.